The following is an entry in ClinVar:

ClinVar aggregate classification (germline): Uncertain significance. Review status: criteria provided, multiple submitters, no conflicts (2 of 4 stars). 3 submissions from 3 submitters: Uncertain significance (3). Last evaluated 2024-07-31.

Conditions:
Inborn genetic diseases. Identifiers: MedGen C0950123, MeSH D030342.
Combined immunodeficiency with skin granulomas. Identifiers: Orphanet 157949, MedGen C2673536, MONDO:0009306, OMIM 233650.
Severe combined immunodeficiency, autosomal recessive, T cell-negative, B cell-negative, NK cell-positive. Also called: SCID, T CELL-NEGATIVE, B CELL-NEGATIVE, NK CELL-POSITIVE; SCID, AR, T-cell negative, B-cell negative, NK cell-positive; Severe combined immunodeficiency due to complete RAG1/2 deficiency. Identifiers: Orphanet 331206, MedGen C1832322, MONDO:0011086, OMIM 601457.
Histiocytic medullary reticulosis. Also called: SEVERE COMBINED IMMUNODEFICIENCY WITH HYPEREOSINOPHILIA; Omenn syndrome. Identifiers: Orphanet 39041, MedGen C2700553, MONDO:0011338, OMIM 603554.
Combined immunodeficiency due to partial RAG1 deficiency. Identifiers: Orphanet 231154, MedGen C1835931, MONDO:0012359, OMIM 609889.

Allele frequency attached by ClinVar (database versions not stated): gnomAD 0.00001; gnomAD exomes 0.00002 and 0.00005; ExAC 0.00003; TOPMed 0.00004.

Submissions (3):

Ambry Genetics
Classification: Uncertain significance for Inborn genetic diseases. Last evaluated: 2024-07-31. Review status: criteria provided, single submitter. Criteria: Ambry Variant Classification Scheme 2023. Collection method: clinical testing. Allele origin: germline.

Labcorp Genetics (formerly Invitae), Labcorp
Classification: Uncertain significance for Combined immunodeficiency with skin granulomas; Severe combined immunodeficiency, autosomal recessive, T cell-negative, B cell-negative, NK cell-positive. Last evaluated: 2022-07-01. Review status: criteria provided, single submitter. Criteria: Invitae Variant Classification Sherloc (09022015). Collection method: clinical testing. Allele origin: germline.
Comment: This sequence change replaces methionine, which is neutral and non-polar, with isoleucine, which is neutral and non-polar, at codon 183 of the RAG1 protein (p.Met183Ile). This variant is present in population databases (rs750394886, gnomAD 0.04%). This variant has not been reported in the literature in individuals affected with RAG1-related conditions. ClinVar contains an entry for this variant (Variation ID: 626003). Advanced modeling of protein sequence and biophysical properties (such as structural, functional, and spatial information, amino acid conservation, physicochemical variation, residue mobility, and thermodynamic stability) performed at Invitae indicates that this missense variant is not expected to disrupt RAG1 protein function. In summary, the available evidence is currently insufficient to determine the role of this variant in disease. Therefore, it has been classified as a Variant of Uncertain Significance.

Center for Genomics, Ann and Robert H. Lurie Children's Hospital of Chicago
Classification: Uncertain significance for Histiocytic medullary reticulosis; Severe combined immunodeficiency, autosomal recessive, T cell-negative, B cell-negative, NK cell-positive; Combined immunodeficiency with skin granulomas; Combined immunodeficiency due to partial RAG1 deficiency. Review status: criteria provided, single submitter. Criteria: ACMG Guidelines, 2015. Collection method: clinical testing. Allele origin: germline.
Comment: RAG1 NM_000448.2 exon 2 p.Met183Ile (c.549G>A): This variant has not been reported in the literature but is present in 0.03% (12/33574) of Latino alleles in the Genome Aggregation Database. This variant amino acid Isoleucine (Ile) is present in >20 species and is not well conserved among evolutionarily distant species; this suggests that this variant may not impact the protein. Additional computational prediction tools do not suggest an impact. In summary, data on this variant is insufficient for disease classification. Therefore, the clinical significance of this variant is uncertain.

NM_000448.3(RAG1):c.549G>A (p.Met183Ile)

Gene: RAG1 (recombination activating 1; plus strand). Cytogenetic location: 11p12.
Variant type: single nucleotide variant.
Coding change: c.549G>A on transcript NM_000448.3 (MANE Select); coding-DNA position 549, G replaced by A.
Protein change: p.Met183Ile; replaces methionine 183 with isoleucine.
Molecular consequence: missense variant.
Genome position (GRCh38, 1-based): chr11:36,573,853, G>A. VCF-style: chr11-36573853-G-A. GRCh37 (hg19) VCF-style: chr11-36595403-G-A.
Other names: c.549G>A, p.Met183Ile (NM_001377277.1, NM_001377278.1, NM_001377279.1 and 1 more transcripts); c.549G>A (NM_000448.2); short protein forms M183I.
Identifiers: ClinVar variation 626003 (VCV000626003.5), dbSNP rs750394886, ClinGen allele CA5950005.